The following is an entry in ClinVar:

NM_003923.3(FOXH1):c.15C>T (p.Ser5=)

Gene: FOXH1 (forkhead box H1; minus strand). Cytogenetic location: 8q24.3.
Variant type: single nucleotide variant.
Coding change: c.15C>T on transcript NM_003923.3 (MANE Select); coding-DNA position 15, C replaced by T.
Protein change: p.Ser5=; no amino-acid change (serine 5 retained).
Molecular consequence: synonymous variant.
Genome position (GRCh38, 1-based): chr8:144,475,742, G>A on the plus strand (C>T on the coding strand, the complement: FOXH1 is on the minus strand). VCF-style: chr8-144475742-G-A. GRCh37 (hg19) VCF-style: chr8-145701125-G-A.
Identifiers: ClinVar variation 215825 (VCV000215825.20), dbSNP rs374587860, ClinGen allele CA337294.

ClinVar aggregate classification (germline): Conflicting classifications of pathogenicity. Review status: criteria provided, conflicting classifications (1 of 4 stars). 4 submissions from 4 submitters: Uncertain significance (1); Likely benign (3). Last evaluated 2025-12-31.

Conditions:
Holoprosencephaly sequence (HPE). Also called: Holoprosencephaly. Identifiers: Orphanet 2162, MedGen C0079541, MONDO:0016296, HP:0001360.

Allele frequency attached by ClinVar (database versions not stated): ESP Exome Variant Server 0.00016; 1000 Genomes Project 30x 0.00031; 1000 Genomes Project 0.00040; gnomAD exomes 0.00081 and 0.00104; gnomAD 0.00085 and 0.00086; TOPMed 0.00103; ExAC 0.00121.
gnomAD v4.1: 1,426 of 1,414,240 alleles (0.1%); highest among the groups gnomAD compares: Admixed American, 0.2%; no homozygotes.

Submissions (4):

Labcorp Genetics (formerly Invitae), Labcorp
Classification: Likely benign for Holoprosencephaly sequence. Last evaluated: 2025-12-31. Review status: criteria provided, single submitter. Criteria: Invitae Variant Classification Sherloc (09022015). Collection method: clinical testing. Allele origin: germline.

Blueprint Genetics
Classification: Likely benign. Last evaluated: 2024-11-04. Review status: criteria provided, single submitter. Criteria: ACMG Guidelines, 2015. Collection method: clinical testing. Allele origin: germline.

Illumina Laboratory Services, Illumina
Classification: Likely benign for Holoprosencephaly sequence. Last evaluated: 2018-01-13. Review status: criteria provided, single submitter. Criteria: ICSL Variant Classification Criteria 13 December 2019. Collection method: clinical testing. Allele origin: germline.
Comment: This variant was observed in the ICSL laboratory as part of a predisposition screen in an ostensibly healthy population. It had not been previously curated by ICSL or reported in the Human Gene Mutation Database (HGMD: prior to June 1st, 2018), and was therefore a candidate for classification through an automated scoring system. Utilizing variant allele frequency, disease prevalence and penetrance estimates, and inheritance mode, an automated score was calculated to assess if this variant is too frequent to cause the disease. Based on the score and internal cut-off values, a variant classified as likely benign is not then subjected to further curation. The score for this variant resulted in a classification of likely benign for this disease.

Eurofins Ntd Llc (ga)
Classification: Uncertain significance. Last evaluated: 2015-06-26. Review status: criteria provided, single submitter. Criteria: EGL Classification Definitions 2015. Collection method: clinical testing. Allele origin: germline. Observed: 2 variant alleles, 2 heterozygotes.